The following is an entry in ClinVar:

NM_000548.5(TSC2):c.4779C>G (p.Tyr1593Ter)

Gene: TSC2 (TSC complex subunit 2; plus strand). Cytogenetic location: 16p13.3.
Variant type: single nucleotide variant.
Coding change: c.4779C>G on transcript NM_000548.5 (MANE Select); coding-DNA position 4779, C replaced by G.
Protein change: p.Tyr1593Ter; replaces tyrosine 1593 with a stop codon.
Molecular consequence: nonsense.
Genome position (GRCh38, 1-based): chr16:2,086,309, C>G. VCF-style: chr16-2086309-C-G. GRCh37 (hg19) VCF-style: chr16-2136310-C-G.
Other names: c.4578C>G, p.Tyr1526Ter (NM_001077183.3); c.4710C>G, p.Tyr1570Ter (NM_001114382.3); c.4470C>G, p.Tyr1490Ter (NM_001318827.2); c.4434C>G, p.Tyr1478Ter (NM_001318829.2); c.4047C>G, p.Tyr1349Ter (NM_001318831.2); c.4611C>G, p.Tyr1537Ter (NM_001318832.2); c.4581C>G, p.Tyr1527Ter (NM_001363528.2); c.4647C>G, p.Tyr1549Ter (NM_001370404.1); and 2 more; short protein forms Y1593*, Y1527*, Y1550*, Y1570*, Y1349*, Y1526*, Y1537*, Y1490*.
Identifiers: ClinVar variation 49820 (VCV000049820.4), dbSNP rs45517368, ClinGen allele CA020994.

ClinVar aggregate classification (germline): Pathogenic. Review status: no assertion criteria provided (0 of 4 stars). 2 submissions from 2 submitters: Pathogenic (1). 1 of the submissions does not count toward it. Last evaluated 2023-11-01.

Conditions:
TSC2-related disorder. Also called: TSC2-related condition; TSC2-Related Disorders.
Tuberous sclerosis syndrome (TSC). Also called: Tuberous Sclerosis Complex; Tuberous sclerosis. Identifiers: Orphanet 805, MedGen C0041341, MONDO:0001734.

Submissions (2):

PreventionGenetics, part of Exact Sciences
Classification: Pathogenic for TSC2-related condition. Last evaluated: 2023-11-01. Review status: no assertion criteria provided. Collection method: clinical testing. Allele origin: germline.
Comment: The TSC2 c.4779C>G variant is predicted to result in premature protein termination (p.Tyr1593*). This variant has been reported in an individual with tuberous sclerosis complex (Table 1, Rendtorff et al 2005. PubMed ID: 16114042). This variant has not been reported in a large population database, indicating this variant is rare. Nonsense variants in TSC2 are expected to be pathogenic. This variant is interpreted as pathogenic.

Tuberous sclerosis database (TSC2)
No classification provided. Condition: TSC. Review status: no classification provided. Criteria: Tuberous Sclerosis Database Assertion Criteria 2015. Collection method: curation. Allele origin: germline. Affected: yes. Not counted in ClinVar's aggregate classification.